The following is an entry in ClinVar:

ClinVar aggregate classification (germline): Uncertain significance. Review status: criteria provided, multiple submitters, no conflicts (2 of 4 stars). 2 submissions from 2 submitters: Uncertain significance (2). Last evaluated 2024-05-24.

Conditions:
Epilepsy, familial focal, with variable foci 3 (FFEVF3). Identifiers: MedGen C4310708, MONDO:0014925, OMIM 617118.
Inborn genetic diseases. Identifiers: MedGen C0950123, MeSH D030342.

Allele frequency attached by ClinVar (database versions not stated): TOPMed below 0.00001; gnomAD 0.00001; gnomAD exomes 0.00001.
gnomAD v4.1: 21 of 1,554,120 alleles (0.0014%); highest among the groups gnomAD compares: Non-Finnish European, 0.0015%; no homozygotes.

Submissions (2):

Ambry Genetics
Classification: Uncertain significance for Inborn genetic diseases. Last evaluated: 2024-05-24. Review status: criteria provided, single submitter. Criteria: Ambry Variant Classification Scheme 2023. Collection method: clinical testing. Allele origin: germline.

Labcorp Genetics (formerly Invitae), Labcorp
Classification: Uncertain significance for Epilepsy, familial focal, with variable foci 3. Last evaluated: 2024-03-03. Review status: criteria provided, single submitter. Criteria: Invitae Variant Classification Sherloc (09022015). Collection method: clinical testing. Allele origin: germline.
Comment: This sequence change replaces alanine, which is neutral and non-polar, with glycine, which is neutral and non-polar, at codon 55 of the NPRL3 protein (p.Ala55Gly). This variant is present in population databases (no rsID available, gnomAD 0.001%). This variant has not been reported in the literature in individuals affected with NPRL3-related conditions. ClinVar contains an entry for this variant (Variation ID: 1425990). Advanced modeling of protein sequence and biophysical properties (such as structural, functional, and spatial information, amino acid conservation, physicochemical variation, residue mobility, and thermodynamic stability) performed at Invitae indicates that this missense variant is not expected to disrupt NPRL3 protein function with a negative predictive value of 80%. In summary, the available evidence is currently insufficient to determine the role of this variant in disease. Therefore, it has been classified as a Variant of Uncertain Significance.

NM_001077350.3(NPRL3):c.164C>G (p.Ala55Gly)

Genes: HBA-LCR (alpha-globin locus control region; plus strand), NPRL3 (NPR3 like, GATOR1 complex subunit; minus strand). Cytogenetic location: 16p13.3.
Variant type: single nucleotide variant.
Coding change: c.164C>G on transcript NM_001077350.3 (MANE Select); coding-DNA position 164, C replaced by G.
Protein change: p.Ala55Gly; replaces alanine 55 with glycine.
Molecular consequence: missense variant. On other transcripts: 5 prime UTR variant (2).
Genome position (GRCh38, 1-based): chr16:130,546, G>C on the plus strand (C>G on the coding strand, the complement: NPRL3 is on the minus strand). VCF-style: chr16-130546-G-C. GRCh37 (hg19) VCF-style: chr16-180545-G-C.
Other names: c.164C>G (NM_001077350.2); c.-169C>G (NM_001039476.3); c.-208C>G (NM_001243247.2); c.164C>G, p.Ala55Gly (NM_001243248.2, NM_001243249.2); short protein forms A55G.
Identifiers: ClinVar variation 1425990 (VCV001425990.7), dbSNP rs1217583836, ClinGen allele CA393997767.